The following is an entry in ClinVar:

NM_019892.6(INPP5E):c.311A>T (p.Glu104Val)

Gene: INPP5E (inositol polyphosphate-5-phosphatase E; minus strand). Cytogenetic location: 9q34.3.
Variant type: single nucleotide variant.
Coding change: c.311A>T on transcript NM_019892.6 (MANE Select); coding-DNA position 311, A replaced by T.
Protein change: p.Glu104Val; replaces glutamic acid 104 with valine.
Molecular consequence: missense variant.
Genome position (GRCh38, 1-based): chr9:136,439,109, T>A on the plus strand (A>T on the coding strand, the complement: INPP5E is on the minus strand). VCF-style: chr9-136439109-T-A. GRCh37 (hg19) VCF-style: chr9-139333561-T-A.
Other names: c.311A>T (NM_019892.5); c.311A>T, p.Glu104Val (NM_001318502.2); short protein forms E104V.
Identifiers: ClinVar variation 936832 (VCV000936832.13), dbSNP rs748786705, ClinGen allele CA5337184.
Genomic context (GRCh38, chr9:136,439,109, plus strand): 5'-GGGGCCCCGGGGCCCTCGCTCTGCACTGAGCCCCTGGAGGGACTGGTCCCATTCCGGGCT[T>A]CCAGGTCCTCCTGGCTGCCTCGAAAACGCCTCCTCCTCCAGCCCTTGTCGTCCAGGGACA-3'
Protein context (NP_063945.2, residues 94-114): RRFRGSQEDL[Glu104Val]ARNGTSPSRG

ClinVar aggregate classification (germline): Uncertain significance. Review status: criteria provided, multiple submitters, no conflicts (2 of 4 stars). 4 submissions from 4 submitters: Uncertain significance (3). 1 of the submissions does not count toward it. Last evaluated 2025-12-15.

Conditions:
INPP5E-related disorder. Also called: INPP5E-related condition.
Inborn genetic diseases. Identifiers: MedGen C0950123, MeSH D030342.
Joubert syndrome. Also called: Familial aplasia of the vermis; CEREBELLOPARENCHYMAL DISORDER IV; JOUBERT-BOLTSHAUSER SYNDROME. Identifiers: Orphanet 475, MedGen C5979921, MONDO:0018772.

Allele frequency attached by ClinVar (database versions not stated): gnomAD 0.00006; TOPMed 0.00008; gnomAD exomes below 0.00001 and 0.00001; ExAC 0.00004.
gnomAD v4.1: 14 of 1,582,992 alleles (0.00088%); highest among the groups gnomAD compares: African/African-American, 0.016%; no homozygotes.

Submissions (4):

Labcorp Genetics (formerly Invitae), Labcorp
Classification: Uncertain significance for Joubert syndrome. Last evaluated: 2025-12-15. Review status: criteria provided, single submitter. Criteria: Invitae Variant Classification Sherloc (09022015). Collection method: clinical testing. Allele origin: germline.
Comment: This sequence change replaces glutamic acid, which is acidic and polar, with valine, which is neutral and non-polar, at codon 104 of the INPP5E protein (p.Glu104Val). The frequency data for this variant in the population databases is considered unreliable, as metrics indicate poor data quality at this position in the gnomAD database. This variant has not been reported in the literature in individuals affected with INPP5E-related conditions. ClinVar contains an entry for this variant (Variation ID: 936832). Invitae Evidence Modeling of protein sequence and biophysical properties (such as structural, functional, and spatial information, amino acid conservation, physicochemical variation, residue mobility, and thermodynamic stability) indicates that this missense variant is not expected to disrupt INPP5E protein function with a negative predictive value of 95%. In summary, the available evidence is currently insufficient to determine the role of this variant in disease. Therefore, it has been classified as a Variant of Uncertain Significance.

Ambry Genetics
Classification: Uncertain significance for Inborn genetic diseases. Last evaluated: 2025-06-24. Review status: criteria provided, single submitter. Criteria: Ambry Variant Classification Scheme 2023. Collection method: clinical testing. Allele origin: germline.

GeneDx
Classification: Uncertain significance. Last evaluated: 2020-04-03. Review status: criteria provided, single submitter. Criteria: GeneDx Variant Classification Process June 2021. Collection method: clinical testing. Allele origin: germline. Affected: yes.
Comment: Not observed at a significant frequency in large population cohorts (Lek et al., 2016); In silico analysis supports that this missense variant does not alter protein structure/function; Has not been previously published as pathogenic or benign to our knowledge

PreventionGenetics, part of Exact Sciences
Classification: Uncertain significance for INPP5E-related condition. Last evaluated: 2024-05-23. Review status: no assertion criteria provided. Collection method: clinical testing. Allele origin: germline. Not counted in ClinVar's aggregate classification.
Comment: The INPP5E c.311A>T variant is predicted to result in the amino acid substitution p.Glu104Val. To our knowledge, this variant has not been reported in the literature. This variant is reported in 0.0097% of alleles in individuals of African descent in gnomAD. At this time, the clinical significance of this variant is uncertain due to the absence of conclusive functional and genetic evidence.